The following is an entry in ClinVar:

NM_001048174.2(MUTYH):c.684_702dup (p.Trp235fs)

Gene: MUTYH (mutY DNA glycosylase; minus strand). Cytogenetic location: 1p34.1.
Variant type: Duplication.
Coding change: c.684_702dup on transcript NM_001048174.2 (MANE Select); coding-DNA positions 684 to 702, 19 bases duplicated (CCTTGTTTCCCAGCAGCTC).
Protein change: p.Trp235fs; shifts the reading frame from tryptophan 235.
Molecular consequence: frameshift variant. On other transcripts: non-coding transcript variant (2).
Genome position (GRCh38, 1-based): chr1:45,332,393-45,332,411, GAGCTGCTGGGAAACAAGG duplicated on the plus strand (CCTTGTTTCCCAGCAGCTC on the coding strand, the reverse complement: MUTYH is on the minus strand); duplicating any 19 consecutive bases within chr1:45,332,393-45,332,412 gives the same sequence; the c. name uses the placement nearest the transcript's 3' end. VCF-style (leftmost placement, unchanged base first): chr1-45332392-A-AGAGCTGCTGGGAAACAAGG. GRCh37 (hg19) VCF-style: chr1-45798064-A-AGAGCTGCTGGGAAACAAGG.
Other names: c.684_702dup, p.Trp235fs (NM_001048171.2, NM_001048173.2, NM_001293195.2); c.687_705dup, p.Trp236fs (NM_001048172.2); c.768_786dup, p.Trp263fs (NM_001128425.2); c.729_747dup, p.Trp250fs (NM_001293190.2); c.717_735dup, p.Trp246fs (NM_001293191.2); c.408_426dup, p.Trp143fs (NM_001293192.2, NM_001293196.2); c.339_357dup, p.Trp120fs (NM_001350650.2, NM_001350651.2); c.759_777dup, p.Trp260fs (NM_012222.3); short protein forms W120fs, W236fs, W235fs, W143fs, W250fs, W260fs, W263fs, W246fs.
Identifiers: ClinVar variation 1455631 (VCV001455631.6), dbSNP rs2149142768, ClinGen allele CA2573132072.

ClinVar aggregate classification (germline): Pathogenic (1 of 4 stars; one submission).

Conditions:
Familial adenomatous polyposis 2. Also called: COLORECTAL ADENOMATOUS POLYPOSIS, AUTOSOMAL RECESSIVE; ADENOMAS, MULTIPLE COLORECTAL, AUTOSOMAL RECESSIVE; MUTYH-associated polyposis; MUTYH Polyposis; Adenomas, multiple colorectal; MUTYH-related attenuated familial adenomatous polyposis. Identifiers: Orphanet 220460, Orphanet 247798, MedGen C3272841, MONDO:0012041, OMIM 608456.

Submission:

Labcorp Genetics (formerly Invitae), Labcorp
Classification: Pathogenic for Familial adenomatous polyposis 2. Last evaluated: 2021-07-17. Review status: criteria provided, single submitter. Criteria: Invitae Variant Classification Sherloc (09022015). Collection method: clinical testing. Allele origin: germline.
Comment: Algorithms developed to predict the effect of sequence changes on RNA splicing suggest that this variant may create or strengthen a splice site. For these reasons, this variant has been classified as Pathogenic. This variant has not been reported in the literature in individuals affected with MUTYH-related conditions. This variant is not present in population databases (ExAC no frequency). This sequence change creates a premature translational stop signal (p.Trp263Profs*72) in the MUTYH gene. It is expected to result in an absent or disrupted protein product. Loss-of-function variants in MUTYH are known to be pathogenic (PMID: 18534194, 20663686).

Literature cited by the submitters: PubMed 18534194; PubMed 20663686.